The following is an entry in ClinVar:

NM_000258.3(MYL3):c.426G>C (p.Lys142Asn)

Gene: MYL3 (myosin light chain 3; minus strand). Cytogenetic location: 3p21.31.
Variant type: single nucleotide variant.
Coding change: c.426G>C on transcript NM_000258.3 (MANE Select); coding-DNA position 426, G replaced by C.
Protein change: p.Lys142Asn; replaces lysine 142 with asparagine.
Molecular consequence: missense variant.
Genome position (GRCh38, 1-based): chr3:46,859,530, C>G on the plus strand (G>C on the coding strand, the complement: MYL3 is on the minus strand). VCF-style: chr3-46859530-C-G. GRCh37 (hg19) VCF-style: chr3-46901020-C-G.
Other names: c.426G>C, p.Lys142Asn (NM_001406937.1, NM_001406938.1, NM_001406939.1); c.252G>C, p.Lys84Asn (NM_001406940.1, NM_001406941.1); short protein forms K142N, K84N.
Identifiers: ClinVar variation 5016845 (VCV005016845.1).

ClinVar aggregate classification (germline): Uncertain significance (1 of 4 stars; one submission).

Submission:

GeneDx
Classification: Uncertain significance. Last evaluated: 2026-03-23. Review status: criteria provided, single submitter. Criteria: GeneDx Variant Classification Process June 2021. Collection method: clinical testing. Allele origin: germline.
Comment: Not observed at significant frequency in large population cohorts (gnomAD); In silico analysis supports that this missense variant has a deleterious effect on protein structure/function; Has not been previously published as pathogenic or benign to our knowledge